The following is an entry in ClinVar:

ClinVar aggregate classification (germline): Uncertain significance. Review status: criteria provided, multiple submitters, no conflicts (2 of 4 stars). 2 submissions from 2 submitters: Uncertain significance (2). Last evaluated 2025-12-15.

Allele frequency attached by ClinVar (database versions not stated): gnomAD exomes 0.00009; ESP Exome Variant Server 0.00023; gnomAD 0.00031; TOPMed 0.00041; 1000 Genomes Project 30x 0.00016; ExAC 0.00017; 1000 Genomes Project 0.00020.
gnomAD v4.1: 186 of 1,613,582 alleles (0.012%); highest among the groups gnomAD compares: African/African-American, 0.1%; 1 homozygote.

Submissions (2):

Ambry Genetics
Classification: Uncertain significance. Last evaluated: 2025-12-15. Review status: criteria provided, single submitter. Criteria: Ambry Variant Classification Scheme 2023. Collection method: clinical testing. Allele origin: germline.

Labcorp Genetics (formerly Invitae), Labcorp
Classification: Uncertain significance. Last evaluated: 2025-10-02. Review status: criteria provided, single submitter. Criteria: Invitae Variant Classification Sherloc (09022015). Collection method: clinical testing. Allele origin: germline.
Comment: This sequence change replaces arginine, which is basic and polar, with glutamine, which is neutral and polar, at codon 31 of the PCK2 protein (p.Arg31Gln). This variant is present in population databases (rs2229660, gnomAD 0.09%), and has an allele count higher than expected for a pathogenic variant. This variant has not been reported in the literature in individuals affected with PCK2-related conditions. ClinVar contains an entry for this variant (Variation ID: 2068310). An algorithm developed to predict the effect of missense changes on protein structure and function (PolyPhen-2) suggests that this variant is likely to be tolerated. In summary, the available evidence is currently insufficient to determine the role of this variant in disease. Therefore, it has been classified as a Variant of Uncertain Significance.

NM_004563.4(PCK2):c.92G>A (p.Arg31Gln)

Genes: NRL (neural retina leucine zipper; minus strand), PCK2 (phosphoenolpyruvate carboxykinase 2, mitochondrial; plus strand). Cytogenetic location: 14q11.2.
Variant type: single nucleotide variant.
Coding change: c.92G>A on transcript NM_004563.4 (MANE Select); coding-DNA position 92, G replaced by A.
Protein change: p.Arg31Gln; replaces arginine 31 with glutamine.
Molecular consequence: missense variant. On other transcripts: 5 prime UTR variant (1), intron variant (4).
Genome position (GRCh38, 1-based): chr14:24,096,954, G>A. VCF-style: chr14-24096954-G-A. GRCh37 (hg19) VCF-style: chr14-24566163-G-A.
Other names: c.92G>A, p.Arg31Gln (NM_001018073.3); c.-311G>A (NM_001308054.2); c.-27-14079C>T (NM_001354768.3, NM_001354770.2); c.-253-12209C>T (NM_006177.5); c.-127-1249G>A (NM_001291556.2); short protein forms R31Q.
Identifiers: ClinVar variation 2068310 (VCV002068310.6), dbSNP rs2229660, ClinGen allele CA7123019.
Genomic context (GRCh38, chr14:24,096,954, plus strand): 5'-TTAACTGGCATGGGCTGAGCCCCTTGGGCTGGCCATCATGCCGTAGCATCCAGACCCTGC[G>A]AGTGCTTAGTGGAGATCTGGGCCAGCTTCCCACTGGCATTCGAGATTTTGTAGAGCACAG-3'
Protein context (NP_004554.3, residues 21-41): WPSCRSIQTL[Arg31Gln]VLSGDLGQLP